The following is an entry in ClinVar:

ClinVar aggregate classification (germline): not provided (0 of 4 stars; one submission).

Allele frequency attached by ClinVar (database versions not stated): gnomAD exomes 0.00005; TOPMed 0.00008; gnomAD 0.00009 and 0.00010.
gnomAD v4.1: 44 of 450,056 alleles (0.0098%); highest among the groups gnomAD compares: Non-Finnish European, 0.018%; no homozygotes.

Submission:

ITMI
No classification provided. Condition: AllHighlyPenetrant. Last evaluated: 2013-09-19. Review status: no classification provided. Collection method: reference population. Allele origin: germline.
Comment: Please see associated publication for description of ethnicities

Literature cited by the submitters: PubMed 24728327.

NM_014159.7(SETD2):c.4839+332G>T

Gene: SETD2 (SET domain containing 2, histone lysine methyltransferase; minus strand). Cytogenetic location: 3p21.31.
Variant type: single nucleotide variant.
Coding change: c.4839+332G>T on transcript NM_014159.7 (MANE Select); 332 bases into the intron after coding-DNA position 4839, G replaced by T.
Molecular consequence: intron variant.
Genome position (GRCh38, 1-based): chr3:47,105,665, C>A on the plus strand (G>T on the coding strand, the complement: SETD2 is on the minus strand). VCF-style: chr3-47105665-C-A. GRCh37 (hg19) VCF-style: chr3-47147155-C-A.
Other names: c.4707+332G>T (NM_001349370.3).
Identifiers: ClinVar variation 133380 (VCV000133380.1), dbSNP rs587777969, ClinGen allele CA156471.